The following is an entry in ClinVar:

NM_025114.4(CEP290):c.1672C>T (p.Gln558Ter)

Gene: CEP290 (centrosomal protein 290; minus strand). Cytogenetic location: 12q21.32.
Variant type: single nucleotide variant.
Coding change: c.1672C>T on transcript NM_025114.4 (MANE Select); coding-DNA position 1672, C replaced by T.
Protein change: p.Gln558Ter; replaces glutamine 558 with a stop codon.
Molecular consequence: nonsense.
Genome position (GRCh38, 1-based): chr12:88,118,522, G>A on the plus strand (C>T on the coding strand, the complement: CEP290 is on the minus strand). VCF-style: chr12-88118522-G-A. GRCh37 (hg19) VCF-style: chr12-88512299-G-A.
Other names: short protein forms Q558*.
Identifiers: ClinVar variation 4816193 (VCV004816193.3).

ClinVar aggregate classification (germline): Pathogenic/Likely pathogenic. Review status: criteria provided, multiple submitters, no conflicts (2 of 4 stars). 3 submissions from 3 submitters: Pathogenic (1); Likely pathogenic (2). Last evaluated 2026-08-07.

Conditions:
CEP290-related ciliopathy. Also called: CEP290 ciliopathy. Identifiers: MedGen CN305601, MONDO:0100451.
Leber congenital amaurosis (LCA). Also called: Leber's amaurosis. Identifiers: Orphanet 65, MedGen C0339527, MeSH D057130, MONDO:0018998.
CEP290-related disorder. Also called: CEP290-related condition; CEP290-related disorders. Identifiers: MedGen CN239314.

Submissions (3):

PreventionGenetics, part of Exact Sciences
Classification: Likely pathogenic for CEP290-related condition. Last evaluated: 2026-08-07. Review status: criteria provided, single submitter. Criteria: ACMG Guidelines, 2015. Collection method: clinical testing. Allele origin: germline.
Comment: The CEP290 c.1672C>T variant is predicted to result in premature protein termination (p.Gln558*). To our knowledge, this variant has not been reported in the literature or in a large population database (gnomAD), indicating this variant is rare. Nonsense variants in CEP290 are expected to be pathogenic. This variant is interpreted as likely pathogenic.

Natera, Inc.
Classification: Likely pathogenic for Leber congenital amaurosis. Last evaluated: 2025-11-15. Review status: criteria provided, single submitter. Criteria: Natera Variant Classification Schema (03/2026). Collection method: clinical testing. Allele origin: germline.
Comment: The c.1672C>T variant in CEP290 is a nonsense variant predicted to introduce a stop codon at amino acid 558. This variant is expected to result in nonsense mediated decay, truncation, or a dysfunctional protein product. This variant is rare in the general population with a frequency below the threshold expected for the associated phenotype(s). Given the available evidence, this variant is classified as Likely Pathogenic.

Myriad Genetics, Inc.
Classification: Pathogenic for CEP290-related ciliopathy. Last evaluated: 2025-03-27. Review status: criteria provided, single submitter. Criteria: Myriad Autosomal Dominant, Autosomal Recessive and X-Linked Classification Criteria (2023). Collection method: clinical testing. Allele origin: unknown.
Comment: NM_025114.3(CEP290):c.1672C>T(Q558*) is expected to be pathogenic in the context of CEP290-related disorders. This variant is predicted to lead to an abnormal or absent protein product due to the creation of a premature termination codon in CEP290, a gene where loss-of-function variants are known to be pathogenic. Please note: this variant was assessed in the context of healthy population screening.